The following is an entry in ClinVar:

NM_001365951.3(KIF1B):c.253G>T (p.Ala85Ser)

Gene: KIF1B (kinesin family member 1B; plus strand). Cytogenetic location: 1p36.22.
Variant type: single nucleotide variant.
Coding change: c.253G>T on transcript NM_001365951.3 (MANE Select); coding-DNA position 253, G replaced by T.
Protein change: p.Ala85Ser; replaces alanine 85 with serine.
Molecular consequence: missense variant.
Genome position (GRCh38, 1-based): chr1:10,258,562, G>T. VCF-style: chr1-10258562-G-T. GRCh37 (hg19) VCF-style: chr1-10318620-G-T.
Other names: c.253G>T, p.Ala85Ser (NM_001365952.1, NM_001365953.1, NM_015074.3 and 1 more transcripts); short protein forms A85S.
Identifiers: ClinVar variation 1360265 (VCV001360265.8), dbSNP rs765957120, ClinGen allele CA580657.

ClinVar aggregate classification (germline): Conflicting classifications of pathogenicity. Review status: criteria provided, conflicting classifications (1 of 4 stars). 2 submissions from 2 submitters: Uncertain significance (1); Likely benign (1). Last evaluated 2025-02-11.

Conditions:
Charcot-Marie-Tooth disease type 2. Also called: Charcot-Marie-Tooth type 2. Identifiers: Orphanet 64746, MedGen C0270914, MONDO:0018993.

Allele frequency attached by ClinVar (database versions not stated): gnomAD exomes 0.00001; ExAC 0.00002; gnomAD 0.00001.
gnomAD v4.1: 5 of 1,613,944 alleles (0.00031%); highest among the groups gnomAD compares: East Asian, 0.0089%; no homozygotes.

Submissions (2):

Labcorp Genetics (formerly Invitae), Labcorp
Classification: Uncertain significance for Charcot-Marie-Tooth disease type 2. Last evaluated: 2025-02-11. Review status: criteria provided, single submitter. Criteria: Invitae Variant Classification Sherloc (09022015). Collection method: clinical testing. Allele origin: germline.
Comment: This sequence change replaces alanine, which is neutral and non-polar, with serine, which is neutral and polar, at codon 85 of the KIF1B protein (p.Ala85Ser). This variant is present in population databases (rs765957120, gnomAD 0.02%). This variant has not been reported in the literature in individuals affected with KIF1B-related conditions. ClinVar contains an entry for this variant (Variation ID: 1360265). Invitae Evidence Modeling of protein sequence and biophysical properties (such as structural, functional, and spatial information, amino acid conservation, physicochemical variation, residue mobility, and thermodynamic stability) indicates that this missense variant is not expected to disrupt KIF1B protein function with a negative predictive value of 80%. In summary, the available evidence is currently insufficient to determine the role of this variant in disease. Therefore, it has been classified as a Variant of Uncertain Significance.

Ambry Genetics
Classification: Likely benign. Last evaluated: 2022-05-02. Review status: criteria provided, single submitter. Criteria: Ambry Variant Classification Scheme 2023. Collection method: clinical testing. Allele origin: germline.